The following is an entry in ClinVar:

ClinVar aggregate classification (germline): Uncertain significance. Review status: criteria provided, multiple submitters, no conflicts (2 of 4 stars). 3 submissions from 3 submitters: Uncertain significance (3). Last evaluated 2025-09-25.

Conditions:
Inborn genetic diseases. Identifiers: MedGen C0950123, MeSH D030342.

Allele frequency attached by ClinVar (database versions not stated): gnomAD exomes 0.00001; gnomAD 0.00002; TOPMed 0.00002.
gnomAD v4.1: 10 of 1,596,118 alleles (0.00063%); highest among the groups gnomAD compares: Admixed American, 0.0056%; no homozygotes.

Submissions (3):

Labcorp Genetics (formerly Invitae), Labcorp
Classification: Uncertain significance. Last evaluated: 2025-09-25. Review status: criteria provided, single submitter. Criteria: Invitae Variant Classification Sherloc (09022015). Collection method: clinical testing. Allele origin: germline.
Comment: This sequence change replaces proline, which is neutral and non-polar, with glutamine, which is neutral and polar, at codon 214 of the NALCN protein (p.Pro214Gln). This variant is not present in population databases (gnomAD no frequency). This variant has not been reported in the literature in individuals affected with NALCN-related conditions. ClinVar contains an entry for this variant (Variation ID: 1254754). Invitae Evidence Modeling of protein sequence and biophysical properties (such as structural, functional, and spatial information, amino acid conservation, physicochemical variation, residue mobility, and thermodynamic stability) indicates that this missense variant is not expected to disrupt NALCN protein function with a negative predictive value of 80%. In summary, the available evidence is currently insufficient to determine the role of this variant in disease. Therefore, it has been classified as a Variant of Uncertain Significance.

GeneDx
Classification: Uncertain significance. Last evaluated: 2025-01-22. Review status: criteria provided, single submitter. Criteria: GeneDx Variant Classification Process June 2021. Collection method: clinical testing. Allele origin: germline. Affected: yes.
Comment: Not observed at significant frequency in large population cohorts (gnomAD); In silico analysis supports that this missense variant has a deleterious effect on protein structure/function; Has not been previously published as pathogenic or benign to our knowledge

Ambry Genetics
Classification: Uncertain significance for Inborn genetic diseases. Last evaluated: 2024-05-30. Review status: criteria provided, single submitter. Criteria: Ambry Variant Classification Scheme 2023. Collection method: clinical testing. Allele origin: germline.

NM_052867.4(NALCN):c.641C>A (p.Pro214Gln)

Gene: NALCN (sodium leak channel, non-selective; minus strand). Cytogenetic location: 13q33.1.
Variant type: single nucleotide variant.
Coding change: c.641C>A on transcript NM_052867.4 (MANE Select); coding-DNA position 641, C replaced by A.
Protein change: p.Pro214Gln; replaces proline 214 with glutamine.
Molecular consequence: missense variant.
Genome position (GRCh38, 1-based): chr13:101,376,703, G>T on the plus strand (C>A on the coding strand, the complement: NALCN is on the minus strand). VCF-style: chr13-101376703-G-T. GRCh37 (hg19) VCF-style: chr13-102029054-G-T.
Other names: c.641C>A, p.Pro214Gln (NM_001350748.2, NM_001350749.2, NM_001350750.2 and 1 more transcripts); short protein forms P214Q.
Identifiers: ClinVar variation 1254754 (VCV001254754.11), dbSNP rs982821000, ClinGen allele CA256080648.